The following is an entry in ClinVar:

ClinVar aggregate classification (germline): Uncertain significance (1 of 4 stars; one submission).

Conditions:
Dilated cardiomyopathy 1J (CMD1J). Also called: CARDIOMYOPATHY, DILATED, WITH SENSORINEURAL HEARING LOSS, AUTOSOMAL DOMINANT. Identifiers: Orphanet 217622, MedGen C1854368, MONDO:0011541, OMIM 605362.

Submission:

Labcorp Genetics (formerly Invitae), Labcorp
Classification: Uncertain significance for Dilated cardiomyopathy 1J. Last evaluated: 2025-06-27. Review status: criteria provided, single submitter. Criteria: Invitae Variant Classification Sherloc (09022015). Collection method: clinical testing. Allele origin: germline.
Comment: This sequence change replaces phenylalanine, which is neutral and non-polar, with cysteine, which is neutral and slightly polar, at codon 585 of the EYA4 protein (p.Phe585Cys). This variant is not present in population databases (gnomAD no frequency). This variant has not been reported in the literature in individuals affected with EYA4-related conditions. Invitae Evidence Modeling of protein sequence and biophysical properties (such as structural, functional, and spatial information, amino acid conservation, physicochemical variation, residue mobility, and thermodynamic stability) indicates that this missense variant is expected to disrupt EYA4 protein function with a positive predictive value of 80%. In summary, the available evidence is currently insufficient to determine the role of this variant in disease. Therefore, it has been classified as a Variant of Uncertain Significance.

NM_004100.5(EYA4):c.1754T>G (p.Phe585Cys)

Genes: TARID (TCF21 antisense RNA inducing promoter demethylation; minus strand), EYA4 (EYA transcriptional coactivator and phosphatase 4; plus strand). Cytogenetic location: 6q23.2.
Variant type: single nucleotide variant.
Coding change: c.1754T>G on transcript NM_004100.5 (MANE Select); coding-DNA position 1754, T replaced by G.
Protein change: p.Phe585Cys; replaces phenylalanine 585 with cysteine.
Molecular consequence: missense variant. On other transcripts: intron variant (3).
Genome position (GRCh38, 1-based): chr6:133,525,169, T>G. VCF-style: chr6-133525169-T-G. GRCh37 (hg19) VCF-style: chr6-133846307-T-G.
Other names: c.1772T>G, p.Phe591Cys (NM_001301013.2); c.1610T>G, p.Phe537Cys (NM_001370459.1); c.1685T>G, p.Phe562Cys (NM_172103.4); c.1839+54T>G (NM_172105.4); c.1770+54T>G (NM_001370458.1); c.1677+54T>G (NM_001301012.2); short protein forms F562C, F537C, F585C, F591C.
Identifiers: ClinVar variation 4742708 (VCV004742708.1).